The following is an entry in ClinVar:

ClinVar aggregate classification (germline): Likely benign. Review status: criteria provided, multiple submitters, no conflicts (2 of 4 stars). 3 submissions from 3 submitters: Likely benign (3). Last evaluated 2025-06-29.

Conditions:
Cardiomyopathy (CMYO). Also called: Cardiomyopathies. Identifiers: Orphanet 167848, MedGen C0878544, MONDO:0004994, HP:0001638. Inheritance: Various modes of inheritance.
Catecholaminergic polymorphic ventricular tachycardia 1. Also called: VENTRICULAR TACHYCARDIA, CATECHOLAMINERGIC POLYMORPHIC, 1, WITH OR WITHOUT ATRIAL DYSFUNCTION AND/OR DILATED CARDIOMYOPATHY; VENTRICULAR TACHYCARDIA, STRESS-INDUCED POLYMORPHIC 1; RYR2-Related Catecholaminergic Polymorphic Ventricular Tachycardia. Identifiers: Orphanet 3286, MedGen C1631597, MONDO:0011484, OMIM 604772.
Catecholaminergic polymorphic ventricular tachycardia (CVPT). Also called: Catecholamine-induced polymorphic ventricular tachycardia. Identifiers: Orphanet 3286, MedGen C5574922, MONDO:0017990.

Allele frequency attached by ClinVar (database versions not stated): gnomAD exomes below 0.00001.
gnomAD v4.1: 2 of 1,614,052 alleles (0.00012%); highest among the groups gnomAD compares: Non-Finnish European, 0.00017%; no homozygotes.

Submissions (3):

Labcorp Genetics (formerly Invitae), Labcorp
Classification: Likely benign for Catecholaminergic polymorphic ventricular tachycardia 1. Last evaluated: 2025-06-29. Review status: criteria provided, single submitter. Criteria: Invitae Variant Classification Sherloc (09022015). Collection method: clinical testing. Allele origin: germline.

All of Us Research Program, National Institutes of Health
Classification: Likely benign for Catecholaminergic polymorphic ventricular tachycardia. Last evaluated: 2023-11-20. Review status: criteria provided, single submitter. Criteria: ACMG Guidelines, 2015. Collection method: clinical testing. Allele origin: germline. Inheritance: Autosomal dominant inheritance. Observed: 1 variant allele, 1 heterozygote.
Comment: This study involves interpretation of variants in research participants for the purpose of population health screening. Participant phenotype was not available at the time of variant classification. Additional details can be found in publication PMID: 35346344, PMCID: PMC8962531

Color Diagnostics, LLC DBA Color Health
Classification: Likely benign for Cardiomyopathy. Last evaluated: 2022-11-06. Review status: criteria provided, single submitter. Criteria: ACMG Guidelines, 2015. Collection method: clinical testing. Allele origin: germline.

NM_001035.3(RYR2):c.5475C>T (p.Phe1825=)

Gene: RYR2 (ryanodine receptor 2; plus strand). Cytogenetic location: 1q43.
Variant type: single nucleotide variant.
Coding change: c.5475C>T on transcript NM_001035.3 (MANE Select); coding-DNA position 5475, C replaced by T.
Protein change: p.Phe1825=; no amino-acid change (phenylalanine 1825 retained).
Molecular consequence: synonymous variant.
Genome position (GRCh38, 1-based): chr1:237,614,603, C>T. VCF-style: chr1-237614603-C-T. GRCh37 (hg19) VCF-style: chr1-237777903-C-T.
Identifiers: ClinVar variation 2710605 (VCV002710605.5), dbSNP rs1678257570, ClinGen allele CA424031060.